The following is an entry in ClinVar:

NM_003001.5(SDHC):c.12G>T (p.Leu4=)

Gene: SDHC (succinate dehydrogenase complex subunit C; plus strand). Cytogenetic location: 1q23.3.
Variant type: single nucleotide variant.
Coding change: c.12G>T on transcript NM_003001.5 (MANE Select); coding-DNA position 12, G replaced by T.
Protein change: p.Leu4=; no amino-acid change (leucine 4 retained).
Molecular consequence: synonymous variant. On other transcripts: 5 prime UTR variant (2), non-coding transcript variant (1).
Genome position (GRCh38, 1-based): chr1:161,314,417, G>T. VCF-style: chr1-161314417-G-T. GRCh37 (hg19) VCF-style: chr1-161284207-G-T.
Other names: c.12G>T, p.Leu4= (NM_001035511.3, NM_001035512.3, NM_001035513.3 and 6 more transcripts); c.-549G>T (NM_001407119.1); c.-218G>T (NM_001407120.1).
Identifiers: ClinVar variation 993236 (VCV000993236.15), dbSNP rs745443094, ClinGen allele CA045797.
Genomic context (GRCh38, chr1:161,314,417, plus strand): 5'-CGGGTGGCGGGGCCGCCTGGCGTCACTTCCGTCCAGACCGGAACCCAAGATGGCTGCGCT[G>T]TTGCTGAGGTGACTTCAGTGGGACTGGGAGTTGGTGCCTGCGGCCCTCCGGAGATCTGAA-3'
Protein context (NP_002992.1, residues 1-14): MAA[Leu4=]LLRHVGRHCL

ClinVar aggregate classification (germline): Benign/Likely benign. Review status: criteria provided, multiple submitters, no conflicts (2 of 4 stars). 5 submissions from 5 submitters: Benign (1); Likely benign (4). Last evaluated 2026-01-05.

Conditions:
Hereditary cancer-predisposing syndrome. Also called: Neoplastic Syndromes, Hereditary; Hereditary Cancer Syndrome; Hereditary neoplastic syndrome; Tumor predisposition. Identifiers: Orphanet 140162, MedGen C0027672, MeSH D009386, MONDO:0015356.
Gastrointestinal stromal tumor. Also called: Gastrointestinal stromal tumor, somatic; Gastrointestinal stroma tumor. Identifiers: Orphanet 44890, MedGen C0238198, MeSH D046152, MONDO:0011719, OMIM 606764, HP:0100723.
Pheochromocytoma/paraganglioma syndrome 3. Also called: GLOMUS TUMORS, FAMILIAL, 3; SDHC-Related Hereditary Paraganglioma-Pheochromocytoma Syndrome; Paragangliomas 3; SDHC-Related Hereditary Paraganglioma-Pheochromocytoma Syndrome (Paragangliomas 3). Identifiers: Orphanet 29072, MedGen C1854336, MONDO:0011544, OMIM 605373.
Hereditary pheochromocytoma and paraganglioma. Also called: Hereditary Paraganglioma-Pheochromocytoma Syndromes; Hereditary pheochromocytoma-paraganglioma; Hereditary paragangliomas and pheochromocytomas. Identifiers: Orphanet 29072, MedGen C4274332, MONDO:0017366.

Allele frequency attached by ClinVar (database versions not stated): TOPMed below 0.00001; ExAC 0.00001.
gnomAD v4.1: 2 of 1,612,628 alleles (0.00012%); highest among the groups gnomAD compares: East Asian, 0.0022%; no homozygotes.

Submissions (5):

Labcorp Genetics (formerly Invitae), Labcorp
Classification: Likely benign for Pheochromocytoma/paraganglioma syndrome 3; Gastrointestinal stromal tumor. Last evaluated: 2026-01-05. Review status: criteria provided, single submitter. Criteria: Invitae Variant Classification Sherloc (09022015). Collection method: clinical testing. Allele origin: germline.

Myriad Genetics, Inc.
Classification: Benign for Pheochromocytoma/paraganglioma syndrome 3. Last evaluated: 2025-03-13. Review status: criteria provided, single submitter. Criteria: Myriad Autosomal Dominant, Autosomal Recessive and X-Linked Classification Criteria (2023). Collection method: clinical testing. Allele origin: unknown.
Comment: This variant is considered benign. This variant is a silent/synonymous amino acid change and it is not expected to impact splicing.

All of Us Research Program, National Institutes of Health
Classification: Likely benign for Hereditary pheochromocytoma and paraganglioma. Last evaluated: 2023-04-03. Review status: criteria provided, single submitter. Criteria: ACMG Guidelines, 2015. Collection method: clinical testing. Allele origin: germline. Inheritance: Autosomal dominant inheritance. Observed: 1 variant allele, 1 heterozygote.
Comment: This study involves interpretation of variants in research participants for the purpose of population health screening. Participant phenotype was not available at the time of variant classification. Additional details can be found in publication PMID: 35346344, PMCID: PMC8962531

Ambry Genetics
Classification: Likely benign for Hereditary cancer-predisposing syndrome. Last evaluated: 2021-07-03. Review status: criteria provided, single submitter. Criteria: Ambry Variant Classification Scheme 2023. Collection method: clinical testing. Allele origin: germline.

Quest Diagnostics Nichols Institute San Juan Capistrano
Classification: Likely benign. Last evaluated: 2020-07-30. Review status: criteria provided, single submitter. Criteria: Quest Diagnostics criteria. Collection method: clinical testing. Allele origin: unknown.